The following is an entry in ClinVar:

NM_001572.5(IRF7):c.775G>C (p.Ala259Pro)

Gene: IRF7 (interferon regulatory factor 7; minus strand). Cytogenetic location: 11p15.5.
Variant type: single nucleotide variant.
Coding change: c.775G>C on transcript NM_001572.5 (MANE Select); coding-DNA position 775, G replaced by C.
Protein change: p.Ala259Pro; replaces alanine 259 with proline.
Molecular consequence: missense variant.
Genome position (GRCh38, 1-based): chr11:613,857, C>G on the plus strand (G>C on the coding strand, the complement: IRF7 is on the minus strand). VCF-style: chr11-613857-C-G. GRCh37 (hg19) VCF-style: chr11-613857-C-G.
Other names: c.688G>C, p.Ala230Pro (NM_004029.4); c.814G>C, p.Ala272Pro (NM_004031.4); short protein forms A230P, A259P, A272P.
Identifiers: ClinVar variation 949177 (VCV000949177.10), dbSNP rs544913425, ClinGen allele CA5783751.

ClinVar aggregate classification (germline): Uncertain significance (1 of 4 stars; one submission).

Conditions:
Immunodeficiency 39 (IMD39). Identifiers: Orphanet 574918, MedGen C4225358, MONDO:0014597, OMIM 616345.

Allele frequency attached by ClinVar (database versions not stated): gnomAD exomes 0.00004; ExAC 0.00005; TOPMed 0.00013; gnomAD 0.00016; 1000 Genomes Project 0.00020; 1000 Genomes Project 30x 0.00031.

Submission:

Labcorp Genetics (formerly Invitae), Labcorp
Classification: Uncertain significance for Immunodeficiency 39. Last evaluated: 2025-06-02. Review status: criteria provided, single submitter. Criteria: Invitae Variant Classification Sherloc (09022015). Collection method: clinical testing. Allele origin: germline.
Comment: This sequence change replaces alanine, which is neutral and non-polar, with proline, which is neutral and non-polar, at codon 272 of the IRF7 protein (p.Ala272Pro). This variant is present in population databases (rs544913425, gnomAD 0.05%). This variant has not been reported in the literature in individuals affected with IRF7-related conditions. ClinVar contains an entry for this variant (Variation ID: 949177). Invitae Evidence Modeling of protein sequence and biophysical properties (such as structural, functional, and spatial information, amino acid conservation, physicochemical variation, residue mobility, and thermodynamic stability) indicates that this missense variant is not expected to disrupt IRF7 protein function with a negative predictive value of 80%. In summary, the available evidence is currently insufficient to determine the role of this variant in disease. Therefore, it has been classified as a Variant of Uncertain Significance.